The following is an entry in ClinVar:

NM_002691.4(POLD1):c.1281T>G (p.Leu427=)

Gene: POLD1 (DNA polymerase delta 1, catalytic subunit; plus strand). Cytogenetic location: 19q13.33.
Variant type: single nucleotide variant.
Coding change: c.1281T>G on transcript NM_002691.4 (MANE Select); coding-DNA position 1281, T replaced by G.
Protein change: p.Leu427=; no amino-acid change (leucine 427 retained).
Molecular consequence: synonymous variant. On other transcripts: non-coding transcript variant (1).
Genome position (GRCh38, 1-based): chr19:50,406,220, T>G. VCF-style: chr19-50406220-T-G. GRCh37 (hg19) VCF-style: chr19-50909477-T-G.
Other names: c.1281T>G, p.Leu427= (NM_001256849.1, NM_001308632.1).
Identifiers: ClinVar variation 515921 (VCV000515921.40), dbSNP rs754552596, ClinGen allele CA9596098.

ClinVar aggregate classification (germline): Benign/Likely benign. Review status: criteria provided, multiple submitters, no conflicts (2 of 4 stars). 5 submissions from 5 submitters: Benign (1); Likely benign (4). Last evaluated 2025-08-17.

Conditions:
POLD1-related polyposis and colorectal cancer syndrome (CRCS10). Also called: Colorectal cancer 10; Colorectal cancer, susceptibility to, 10; COLORECTAL CANCER, SUSCEPTIBILITY TO, ON CHROMOSOME 19q. Identifiers: Orphanet 220460, MedGen C2675481, MONDO:0012953, OMIM 612591.
Hereditary cancer-predisposing syndrome. Also called: Neoplastic Syndromes, Hereditary; Hereditary Cancer Syndrome; Tumor predisposition; Hereditary neoplastic syndrome. Identifiers: Orphanet 140162, MedGen C0027672, MeSH D009386, MONDO:0015356.

Allele frequency attached by ClinVar (database versions not stated): TOPMed below 0.00001; ExAC 0.00001; gnomAD 0.00001; gnomAD exomes 0.00001.
gnomAD v4.1: 14 of 1,613,846 alleles (0.00087%); highest among the groups gnomAD compares: Non-Finnish European, 0.0011%; no homozygotes.

Submissions (5):

Labcorp Genetics (formerly Invitae), Labcorp
Classification: Likely benign for POLD1-related polyposis and colorectal cancer syndrome. Last evaluated: 2025-08-17. Review status: criteria provided, single submitter. Criteria: Invitae Variant Classification Sherloc (09022015). Collection method: clinical testing. Allele origin: germline.

Myriad Genetics, Inc.
Classification: Benign for POLD1-related polyposis and colorectal cancer syndrome. Last evaluated: 2025-02-06. Review status: criteria provided, single submitter. Criteria: Myriad Autosomal Dominant, Autosomal Recessive and X-Linked Classification Criteria (2023). Collection method: clinical testing. Allele origin: unknown.
Comment: This variant is considered benign. This variant is a silent/synonymous amino acid change and it is not expected to impact splicing.

CeGaT Center for Human Genetics Tuebingen
Classification: Likely benign. Last evaluated: 2023-09-01. Review status: criteria provided, single submitter. Criteria: CeGaT Center For Human Genetics Tuebingen Variant Classification Criteria Version 2. Collection method: clinical testing. Allele origin: germline. Affected: yes. Observed: 1 variant allele.
Comment: POLD1: BP4, BP7

GeneDx
Classification: Likely benign. Last evaluated: 2018-02-28. Review status: criteria provided, single submitter. Criteria: GeneDx Variant Classification (06012015). Collection method: clinical testing. Allele origin: germline. Affected: yes.
Comment: This variant is considered likely benign or benign based on one or more of the following criteria: it is a conservative change, it occurs at a poorly conserved position in the protein, it is predicted to be benign by multiple in silico algorithms, and/or has population frequency not consistent with disease.

Ambry Genetics
Classification: Likely benign for Hereditary cancer-predisposing syndrome. Last evaluated: 2015-10-01. Review status: criteria provided, single submitter. Criteria: Ambry Variant Classification Scheme 2023. Collection method: clinical testing. Allele origin: germline.